The following is an entry in ClinVar:

ClinVar aggregate classification (germline): Uncertain significance. Review status: criteria provided, multiple submitters, no conflicts (2 of 4 stars). 2 submissions from 2 submitters: Uncertain significance (2). Last evaluated 2026-01-28.

Conditions:
Hereditary cancer-predisposing syndrome. Also called: Neoplastic Syndromes, Hereditary; Hereditary Cancer Syndrome; Tumor predisposition; Hereditary neoplastic syndrome. Identifiers: Orphanet 140162, MedGen C0027672, MeSH D009386, MONDO:0015356.
Cardiovascular phenotype. Identifiers: MedGen CN230736.

Allele frequency attached by ClinVar (database versions not stated): ExAC 0.00001; gnomAD 0.00001.

Submissions (2):

Labcorp Genetics (formerly Invitae), Labcorp
Classification: Uncertain significance. Last evaluated: 2026-01-28. Review status: criteria provided, single submitter. Criteria: Invitae Variant Classification Sherloc (09022015). Collection method: clinical testing. Allele origin: germline.
Comment: This sequence change replaces arginine, which is basic and polar, with glycine, which is neutral and non-polar, at codon 118 of the LZTR1 protein (p.Arg118Gly). This variant is present in population databases (rs749587390, gnomAD 0.0009%). This variant has not been reported in the literature in individuals affected with LZTR1-related conditions. ClinVar contains an entry for this variant (Variation ID: 2850826). Invitae Evidence Modeling of protein sequence and biophysical properties (such as structural, functional, and spatial information, amino acid conservation, physicochemical variation, residue mobility, and thermodynamic stability) indicates that this missense variant is not expected to disrupt LZTR1 protein function with a negative predictive value of 80%. In summary, the available evidence is currently insufficient to determine the role of this variant in disease. Therefore, it has been classified as a Variant of Uncertain Significance.

Ambry Genetics
Classification: Uncertain significance for Cardiovascular phenotype; Hereditary cancer-predisposing syndrome. Last evaluated: 2025-11-05. Review status: criteria provided, single submitter. Criteria: Ambry Variant Classification Scheme 2023. Collection method: clinical testing. Allele origin: germline.
Comment: The p.R118G variant (also known as c.352C>G), located in coding exon 4 of the LZTR1 gene, results from a C to G substitution at nucleotide position 352. The arginine at codon 118 is replaced by glycine, an amino acid with dissimilar properties. This amino acid position is highly conserved in available vertebrate species. In addition, this alteration is predicted to be deleterious by in silico analysis. Based on the available evidence, the clinical significance of this variant remains unclear.

NM_006767.4(LZTR1):c.352C>G (p.Arg118Gly)

Gene: LZTR1 (leucine zipper like post translational regulator 1; plus strand). Cytogenetic location: 22q11.21.
Variant type: single nucleotide variant.
Coding change: c.352C>G on transcript NM_006767.4 (MANE Select); coding-DNA position 352, C replaced by G.
Protein change: p.Arg118Gly; replaces arginine 118 with glycine.
Molecular consequence: missense variant.
Genome position (GRCh38, 1-based): chr22:20,987,535, C>G. VCF-style: chr22-20987535-C-G. GRCh37 (hg19) VCF-style: chr22-21341824-C-G.
Other names: c.352C>G (NM_006767.3); short protein forms R118G.
Identifiers: ClinVar variation 2850826 (VCV002850826.6), dbSNP rs749587390, ClinGen allele CA10118386.